The following is an entry in ClinVar:

ClinVar aggregate classification (germline): Conflicting classifications of pathogenicity. Review status: criteria provided, conflicting classifications (1 of 4 stars). 6 submissions from 6 submitters: Likely pathogenic (1); Uncertain significance (4). 1 of the submissions does not count toward it. Last evaluated 2025-10-30.

Conditions:
Walker-Warburg congenital muscular dystrophy. Also called: Muscular dystrophy-dystroglycanopathy, type A; Walker-Warburg syndrome. Identifiers: Orphanet 899, MedGen C0265221, MONDO:0000171.
Cardiovascular phenotype. Identifiers: MedGen CN230736.
FKRP-related disorder. Also called: FKRP-related condition.
Muscular dystrophy-dystroglycanopathy type B5 (MDDGB5). Also called: MUSCULAR DYSTROPHY, CONGENITAL, 1C; MUSCULAR DYSTROPHY, CONGENITAL, FKRP-RELATED; MUSCULAR DYSTROPHY-DYSTROGLYCANOPATHY (CONGENITAL WITH OR WITHOUT IMPAIRED INTELLECTUAL DEVELOPMENT), TYPE B, 5. Identifiers: MedGen C1847759, MONDO:0011688, OMIM 606612.
Muscular dystrophy-dystroglycanopathy (congenital with brain and eye anomalies), type A5. Also called: MUSCULAR DYSTROPHY-DYSTROGLYCANOPATHY (CONGENITAL WITH BRAIN AND EYE ANOMALIES), TYPE A, 5; WALKER-WARBURG SYNDROME OR MUSCLE-EYE-BRAIN DISEASE, FKRP-RELATED. Identifiers: Orphanet 588, Orphanet 899, MedGen C3150413, MONDO:0013157, OMIM 613153.
Autosomal recessive limb-girdle muscular dystrophy type 2I. Also called: MUSCULAR DYSTROPHY-DYSTROGLYCANOPATHY, LIMB-GIRDLE, FRKP-RELATED; MUSCULAR DYSTROPHY, LIMB-GIRDLE, TYPE 2I; MUSCULAR DYSTROPHY-DYSTROGLYCANOPATHY (LIMB-GIRDLE), TYPE C, 5. Identifiers: Orphanet 34515, MedGen C1846672, MONDO:0011787, OMIM 607155.
Muscular dystrophy-dystroglycanopathy (congenital with brain and eye anomalies), type A1 (MDDGA1). Also called: Muscular dystrophy-dystroglycanopathy (congenital with brain and eye anomalies), type A, 1; WALKER-WARBURG SYNDROME OR MUSCLE-EYE-BRAIN DISEASE, POMT1-RELATED; Hydrocephalus, agyria and retinal dysplasia; Hard +/- E syndrome; Warburg syndrome; Chemke syndrome. Identifiers: Orphanet 588, Orphanet 899, MedGen C4284790, MONDO:0009364, OMIM 236670.

Allele frequency attached by ClinVar (database versions not stated): gnomAD 0.00001; TOPMed 0.00001.
gnomAD v4.1: 26 of 1,542,924 alleles (0.0017%); highest among the groups gnomAD compares: Middle Eastern, 0.017%; no homozygotes.

Submissions (6):

Ambry Genetics
Classification: Uncertain significance for Cardiovascular phenotype. Last evaluated: 2025-10-30. Review status: criteria provided, single submitter. Criteria: Ambry Variant Classification Scheme 2023. Collection method: clinical testing. Allele origin: germline.
Comment: The p.Y340F variant (also known as c.1019A>T), located in coding exon 1 of the FKRP gene, results from an A to T substitution at nucleotide position 1019. This variant has been identified in the homozygous state and/or in conjunction with other FKRP variant(s) in individual(s) with features consistent with muscular dystrophy (Z&iacute;dkov&aacute; J et al. Clin Genet, 2023 Nov;104:542-553). The tyrosine at codon 340 is replaced by phenylalanine, an amino acid with highly similar properties. This amino acid position is highly conserved in available vertebrate species. In addition, the in silico prediction for this alteration is inconclusive. Based on the available evidence, the clinical significance of this variant remains unclear.

Labcorp Genetics (formerly Invitae), Labcorp
Classification: Uncertain significance for Walker-Warburg congenital muscular dystrophy. Last evaluated: 2024-10-20. Review status: criteria provided, single submitter. Criteria: Invitae Variant Classification Sherloc (09022015). Collection method: clinical testing. Allele origin: germline.
Comment: This sequence change replaces tyrosine, which is neutral and polar, with phenylalanine, which is neutral and non-polar, at codon 340 of the FKRP protein (p.Tyr340Phe). This variant is not present in population databases (gnomAD no frequency). This missense change has been observed in individual(s) with clinical features of FKRP-related conditions (PMID: 37526466). ClinVar contains an entry for this variant (Variation ID: 459226). Invitae Evidence Modeling of protein sequence and biophysical properties (such as structural, functional, and spatial information, amino acid conservation, physicochemical variation, residue mobility, and thermodynamic stability) has been performed for this missense variant. However, the output from this modeling did not meet the statistical confidence thresholds required to predict the impact of this variant on FKRP protein function. In summary, the available evidence is currently insufficient to determine the role of this variant in disease. Therefore, it has been classified as a Variant of Uncertain Significance.

Athena Diagnostics
Classification: Uncertain significance. Last evaluated: 2024-08-30. Review status: criteria provided, single submitter. Criteria: Athena Diagnostics Criteria. Collection method: clinical testing. Allele origin: unknown.

Blueprint Genetics
Classification: Likely pathogenic for FKRP-related disorders. Last evaluated: 2023-10-09. Review status: criteria provided, single submitter. Criteria: ACMG Guidelines, 2015. Collection method: clinical testing. Allele origin: germline. Affected: yes. Observed: 3 variant alleles.

Fulgent Genetics
Classification: Uncertain significance for Muscular dystrophy-dystroglycanopathy (congenital with brain and eye anomalies), type A1; Muscular dystrophy-dystroglycanopathy type B5; Autosomal recessive limb-girdle muscular dystrophy type 2I; Muscular dystrophy-dystroglycanopathy (congenital with brain and eye anomalies), type A5. Last evaluated: 2018-10-31. Review status: criteria provided, single submitter. Criteria: ACMG Guidelines, 2015. Collection method: clinical testing. Allele origin: unknown.

Natera, Inc.
Classification: Uncertain significance for Limb-girdle muscular dystrophy type 2I. Last evaluated: 2020-09-16. Review status: no assertion criteria provided. Collection method: clinical testing. Allele origin: germline. Not counted in ClinVar's aggregate classification.

Literature cited by the submitters: PubMed 37526466 (cited by 3 submitters).

NM_024301.5(FKRP):c.1019A>T (p.Tyr340Phe)

Gene: FKRP (fukutin related protein; plus strand). Cytogenetic location: 19q13.32.
Variant type: single nucleotide variant.
Coding change: c.1019A>T on transcript NM_024301.5 (MANE Select); coding-DNA position 1019, A replaced by T.
Protein change: p.Tyr340Phe; replaces tyrosine 340 with phenylalanine.
Molecular consequence: missense variant.
Genome position (GRCh38, 1-based): chr19:46,756,469, A>T. VCF-style: chr19-46756469-A-T. GRCh37 (hg19) VCF-style: chr19-47259726-A-T.
Other names: c.1019A>T, p.Tyr340Phe (NM_001039885.3); short protein forms Y340F.
Identifiers: ClinVar variation 459226 (VCV000459226.13), dbSNP rs1322997651, ClinGen allele CA406496482.